The following is an entry in ClinVar:

ClinVar aggregate classification (germline): Uncertain significance. Review status: criteria provided, multiple submitters, no conflicts (2 of 4 stars). 2 submissions from 2 submitters: Uncertain significance (2). Last evaluated 2022-06-16.

Conditions:
Autism, susceptibility to, X-linked 2 (AUTSX2). Also called: Autism susceptibility, X-linked 2. Identifiers: MedGen C1845539, MONDO:0010341, OMIM 300495.

Allele frequency attached by ClinVar (database versions not stated): gnomAD exomes below 0.00001; TOPMed 0.00001.
gnomAD v4.1: 3 of 1,211,011 alleles (0.00025%); highest among the groups gnomAD compares: Non-Finnish European, 0.00034%; no homozygotes.

Submissions (2):

Johns Hopkins Genomics, Johns Hopkins University
Classification: Uncertain significance for Autism, susceptibility to, X-linked 2. Last evaluated: 2022-06-16. Review status: criteria provided, single submitter. Criteria: ACMG Guidelines, 2015. Collection method: clinical testing. Allele origin: germline.
Comment: This NLGN4X variant is absent from a large population dataset and has been reported in ClinVar. Of three bioinformatics tools queried, one predicts that the substitution would be damaging, while two predict that it would be tolerated. The glycine residue at this position is strongly evolutionarily conserved across the vertebrate species assessed. Bioinformatic analysis predicts that this missense variant would not affect normal exon 6 splicing, although this has not been confirmed experimentally to our knowledge. Due to insufficient evidence, we consider the clinical significance of c.2428G>A to be uncertain at this time.

Baylor Genetics
Classification: Uncertain significance for Autism, susceptibility to, X-linked 2. Last evaluated: 2017-09-01. Review status: criteria provided, single submitter. Criteria: ACMG Guidelines, 2015. Collection method: clinical testing. Allele origin: de novo. Inheritance: X-linked inheritance. Affected: yes.

Literature cited by the submitters: PubMed 11368788 (cited by Johns Hopkins Genomics, Johns Hopkins University); PubMed 12669065 (cited by Johns Hopkins Genomics, Johns Hopkins University); PubMed 14963808 (cited by Johns Hopkins Genomics, Johns Hopkins University); PubMed 25326635 (cited by Baylor Genetics).

NM_181332.3(NLGN4X):c.2428G>A (p.Gly810Arg)

Gene: NLGN4X (neuroligin 4 X-linked; minus strand). Cytogenetic location: Xp22.32.
Variant type: single nucleotide variant.
Coding change: c.2428G>A on transcript NM_181332.3 (MANE Select); coding-DNA position 2428, G replaced by A.
Protein change: p.Gly810Arg; replaces glycine 810 with arginine.
Molecular consequence: missense variant.
Genome position (GRCh38, 1-based): chrX:5,892,840, C>T on the plus strand (G>A on the coding strand, the complement: NLGN4X is on the minus strand). VCF-style: chrX-5892840-C-T. GRCh37 (hg19) VCF-style: chrX-5810881-C-T.
Other names: c.2428G>A, p.Gly810Arg (NM_001282145.2, NM_001282146.2, NM_020742.4); short protein forms G810R.
Identifiers: ClinVar variation 561066 (VCV000561066.3), dbSNP rs1181689310, ClinGen allele CA412012269.